The following is an entry in ClinVar:

ClinVar aggregate classification (germline): Conflicting classifications of pathogenicity. Review status: criteria provided, conflicting classifications (1 of 4 stars). 5 submissions from 5 submitters: Pathogenic (1); Likely pathogenic (1); Uncertain significance (1). 2 of the submissions do not count toward it. Last evaluated 2025-10-08.

Conditions:
Charcot-Marie-Tooth disease type 2. Also called: Charcot-Marie-Tooth type 2. Identifiers: Orphanet 64746, MedGen C0270914, MONDO:0018993.
Hutchinson-Gilford syndrome (HGPS). Also called: Hutchinson-Gilford Progeria Syndrome. Identifiers: Orphanet 740, MedGen C0033300, MONDO:0008310, OMIM 176670.
Hutchinson-Gilford progeria syndrome, atypical. Identifiers: MedGen C4016241.

Submissions (5):

Labcorp Genetics (formerly Invitae), Labcorp
Classification: Uncertain significance for Charcot-Marie-Tooth disease type 2. Last evaluated: 2025-10-08. Review status: criteria provided, single submitter. Criteria: Invitae Variant Classification Sherloc (09022015). Collection method: clinical testing. Allele origin: germline.
Comment: This sequence change falls in intron 11 of the LMNA gene. It does not directly change the encoded amino acid sequence of the LMNA protein. It affects a nucleotide within the consensus splice site. This variant is not present in population databases (gnomAD no frequency). This variant has been observed in individuals with clinical features of LMNA-related conditions (PMID: 22065502, 25649378). ClinVar contains an entry for this variant (Variation ID: 162417). Variants that disrupt the consensus splice site are a relatively common cause of aberrant splicing (PMID: 17576681, 9536098). Studies have shown that this variant is associated with inconclusive levels of altered splicing (PMID: 22065502). In summary, the available evidence is currently insufficient to determine the role of this variant in disease. Therefore, it has been classified as a Variant of Uncertain Significance.

3billion
Classification: Likely pathogenic for Hutchinson-Gilford syndrome. Last evaluated: 2023-12-11. Review status: criteria provided, single submitter. Criteria: ACMG Guidelines, 2015. Collection method: clinical testing. Allele origin: germline. Affected: yes.
Comment: The variant is not observed in the gnomAD v2.1.1 dataset. Predicted Consequence/Location: Intron variant: previously reported to result in an inframe deletion from an in vitro assay and reduce expression level of the gene (PMID: 22065502). Intron variant: previously reported to result in an inframe deletion from an in vitro assay and reduce expression level of the gene (PMID: 22065502). Therefore, this variant is classified as Likely pathogenic according to the recommendation of ACMG/AMP guideline.

Laboratory of Medical Genetics, National & Kapodistrian University of Athens
Classification: Pathogenic for Hutchinson-Gilford syndrome. Last evaluated: 2023-05-16. Review status: criteria provided, single submitter. Criteria: ACMG Guidelines, 2015. Collection method: clinical testing. Allele origin: germline. Affected: yes.
Comment: PS4, PM2, PP3, PP5

OMIM
Classification: Pathogenic for HUTCHINSON-GILFORD PROGERIA SYNDROME, ATYPICAL. Last evaluated: 2015-08-01. Review status: no assertion criteria provided. Collection method: literature only. Allele origin: germline. Not counted in ClinVar's aggregate classification.

GeneReviews
No classification provided. Condition: Hutchinson-Gilford syndrome. Review status: no classification provided. Collection method: literature only. Allele origin: de novo. Not counted in ClinVar's aggregate classification.

Literature cited by the submitters: PubMed 22065502 (cited by 4 submitters); PubMed 25649378 (cited by 3 submitters); PubMed 17576681 (cited by Labcorp Genetics (formerly Invitae), Labcorp); PubMed 9536098 (cited by Labcorp Genetics (formerly Invitae), Labcorp); PubMed 15317753 (cited by OMIM).

NM_170707.4(LMNA):c.1968+5G>A

Gene: LMNA (lamin A/C; plus strand). Cytogenetic location: 1q22.
Variant type: single nucleotide variant.
Coding change: c.1968+5G>A on transcript NM_170707.4 (MANE Select); 5 bases into the intron after coding-DNA position 1968, G replaced by A.
Molecular consequence: intron variant.
Genome position (GRCh38, 1-based): chr1:156,138,762, G>A. VCF-style: chr1-156138762-G-A. GRCh37 (hg19) VCF-style: chr1-156108553-G-A.
Other names: IVS11DS, G-A, +5; c.1818+155G>A (NM_001282626.2); c.1878+5G>A (NM_170708.4); c.1632+5G>A (NM_001257374.3).
Identifiers: ClinVar variation 162417 (VCV000162417.6), dbSNP rs797044488, ClinGen allele CA347068.